The following is an entry in ClinVar:

NM_001267550.2(TTN):c.61611del (p.Glu20538fs)

Genes: TTN (titin; minus strand), TTN-AS1 (TTN antisense RNA 1; plus strand). Cytogenetic location: 2q31.2.
Variant type: Deletion.
Coding change: c.61611del on transcript NM_001267550.2 (MANE Select); coding-DNA position 61611, one base deleted (A; older notation c.61611delA).
Protein change: p.Glu20538fs; shifts the reading frame from glutamic acid 20538.
Molecular consequence: frameshift variant.
Genome position (GRCh38, 1-based): chr2:178,590,114, T deleted on the plus strand (A on the coding strand, the reverse complement: TTN is on the minus strand); the first of 3 consecutive T bases (chr2:178,590,114-178,590,116); deleting any one gives the same sequence. VCF-style (leftmost placement, unchanged base first): chr2-178590113-CT-C. GRCh37 (hg19) VCF-style: chr2-179454840-CT-C.
Other names: c.34416delA (NM_003319.4); c.56688del, p.Glu18897fs (NM_001256850.1); c.34416del, p.Glu11473fs (NM_003319.4); c.53907del, p.Glu17970fs (NM_133378.4); c.34791del, p.Glu11598fs (NM_133432.3); c.34992del, p.Glu11665fs (NM_133437.4); short protein forms E17970fs, E18897fs, E11665fs, E11473fs, E11598fs, E20538fs.
Identifiers: ClinVar variation 5031478 (VCV005031478.1).

ClinVar aggregate classification (germline): Likely pathogenic (1 of 4 stars; one submission).

Conditions:
Cardiovascular phenotype. Identifiers: MedGen CN230736.

Submission:

Ambry Genetics
Classification: Likely pathogenic for Cardiovascular phenotype. Last evaluated: 2026-07-27. Review status: criteria provided, single submitter. Criteria: Ambry Variant Classification Scheme 2023. Collection method: clinical testing. Allele origin: germline.
Comment: The c.34416delA variant, located in coding exon 131 of the TTN gene, results from a deletion of one nucleotide at nucleotide position 34416, causing a translational frameshift with a predicted alternate stop codon (p.E11473Kfs*39). This exon is located in the A-band region of the N2-B isoform of the titin protein and is constitutively expressed in TTN transcripts (percent spliced in or PSI 100%). This variant is considered to be rare based on population cohorts in the Genome Aggregation Database (gnomAD). This variant is expected to result in loss of function by premature protein truncation or nonsense-mediated mRNA decay. While truncating variants in TTN are present in 1-3% of the general population, truncating variants in the A-band are the most common cause of dilated cardiomyopathy (Herman DS et al. N. Engl. J. Med., 2012 Feb;366:619-28; Roberts AM et al. Sci Transl Med, 2015 Jan;7:270ra6). TTN truncating variants encoded in constitutive exons (PSI >90%) have been found to be significantly associated with DCM regardless of their position in titin (Schafer S et al. Nat. Genet., 2017 01;49:46-53; Akhtar MM et al. Circ Heart Fail, 2020 Oct;13:e006832; Massier M et al. Clin Genet, 2025 Jan). Based on the majority of available evidence to date, this variant is likely to be pathogenic.